The following is an entry in ClinVar:

ClinVar aggregate classification (germline): Likely benign. Review status: criteria provided, single submitter (1 of 4 stars). 2 submissions from 2 submitters: Likely benign (1). 1 of the submissions does not count toward it. Last evaluated 2024-04-09.

Conditions:
MYO5B-related disorder. Also called: MYO5B-related condition.

Allele frequency attached by ClinVar (database versions not stated): TOPMed 0.00001; ExAC 0.00002; gnomAD 0.00003.
gnomAD v4.1: 85 of 1,614,168 alleles (0.0053%); highest among the groups gnomAD compares: Non-Finnish European, 0.007%; no homozygotes.

Submissions (2):

Labcorp Genetics (formerly Invitae), Labcorp
Classification: Likely benign. Last evaluated: 2024-04-09. Review status: criteria provided, single submitter. Criteria: Invitae Variant Classification Sherloc (09022015). Collection method: clinical testing. Allele origin: germline.

PreventionGenetics, part of Exact Sciences
Classification: Likely benign for MYO5B-related condition. Last evaluated: 2024-06-28. Review status: no assertion criteria provided. Collection method: clinical testing. Allele origin: germline. Not counted in ClinVar's aggregate classification.
Comment: This variant is classified as likely benign based on ACMG/AMP sequence variant interpretation guidelines (Richards et al. 2015 PMID: 25741868, with internal and published modifications).

NM_001080467.3(MYO5B):c.3342C>T (p.Pro1114=)

Gene: MYO5B (myosin VB; minus strand). Cytogenetic location: 18q21.1.
Variant type: single nucleotide variant.
Coding change: c.3342C>T on transcript NM_001080467.3 (MANE Select); coding-DNA position 3342, C replaced by T.
Protein change: p.Pro1114=; no amino-acid change (proline 1114 retained).
Molecular consequence: synonymous variant.
Genome position (GRCh38, 1-based): chr18:49,877,817, G>A on the plus strand (C>T on the coding strand, the complement: MYO5B is on the minus strand). VCF-style: chr18-49877817-G-A. GRCh37 (hg19) VCF-style: chr18-47404187-G-A.
Other names: c.3342C>T (NM_001080467.2).
Identifiers: ClinVar variation 1935453 (VCV001935453.6), dbSNP rs770376354, ClinGen allele CA8960758.